The following is an entry in ClinVar:

NM_001348716.2(KDM6B):c.1315_1324del (p.Gly439fs)

Gene: KDM6B (lysine demethylase 6B; plus strand). Cytogenetic location: 17p13.1.
Variant type: Deletion.
Coding change: c.1315_1324del on transcript NM_001348716.2 (MANE Select); coding-DNA positions 1315 to 1324, 10 bases deleted (GGGCCCTCGG; older notation c.1315_1324delGGGCCCTCGG).
Protein change: p.Gly439fs; shifts the reading frame from glycine 439.
Molecular consequence: frameshift variant.
Genome position (GRCh38, 1-based): chr17:7,847,603-7,847,612, GGGCCCTCGG deleted; deleting any 10 consecutive bases within chr17:7,847,602-7,847,612 gives the same sequence; the c. name uses the placement nearest the transcript's 3' end. VCF-style (leftmost placement, unchanged base first): chr17-7847601-TGGGGCCCTCG-T. GRCh37 (hg19) VCF-style: chr17-7750919-TGGGGCCCTCG-T.
Other names: c.1315_1324del, p.Gly439fs (NM_001080424.2); short protein forms G439fs.
Identifiers: ClinVar variation 3254676 (VCV003254676.2), dbSNP rs2544524513.
Genomic context (GRCh38, chr17:7,847,601, plus strand): 5'-TGCAGCCCGGCGCTGACCATTACCAAACTCCCGCGCTGGAGGTCTCTCACCATGGCCGCC[TGGGGCCCTCG>T]GCACACAGCAGTCGGAAACCGTTCTTGGGGGCTCCCGCTGCCACTCCCCACCTATCCCTG-3'

ClinVar aggregate classification (germline): Pathogenic (1 of 4 stars; one submission).

Conditions:
Neurodevelopmental disorder with coarse facies and mild distal skeletal abnormalities. Also called: STOLERMAN NEURODEVELOPMENTAL SYNDROME. Identifiers: MedGen C5193134, MONDO:0032790, OMIM 618505.

Submission:

Victorian Clinical Genetics Services, Murdoch Childrens Research Institute
Classification: Pathogenic for Neurodevelopmental disorder with coarse facies and mild distal skeletal abnormalities. Last evaluated: 2024-09-22. Review status: criteria provided, single submitter. Criteria: ACMG Guidelines, 2015. Collection method: clinical testing. Allele origin: germline. Inheritance: Autosomal dominant inheritance. Affected: yes.
Comment: Based on the classification scheme VCGS_Germline_v1.3.4, this variant is classified as Pathogenic. Following criteria are met: 0102 - Loss of function is a known mechanism of disease in this gene and is associated with neurodevelopmental disorder with coarse facies and mild distal skeletal abnormalities (MIM#618505). (I) 0107 - This gene is associated with autosomal dominant disease. (I) 0201 - Variant is predicted to cause nonsense-mediated decay (NMD) and loss of protein (premature termination codon is located at least 54 nucleotides upstream of the final exon-exon junction). (SP) 0251 - This variant is heterozygous. (I) 0301 - Variant is absent from gnomAD (both v2 and v3). (SP) 0701 - Other NMD predicted variants comparable to the one identified in this case have very strong previous evidence for pathogenicity. These variants were de novo in individuals affected with neurodevelopmental delay, intellectual disability, dysmorphic features and/or macrocephaly (DECIPHER, PMID: 31124279). (SP) 0807 - This variant has no previous evidence of pathogenicity. (I) 0905 - No published segregation evidence has been identified for this variant. (I) 1007 - No published functional evidence has been identified for this variant. (SP) Legend: (SP) - Supporting pathogenic, (I) - Information, (SB) - Supporting benign

Literature cited by the submitters: PubMed 31124279.